The following is an entry in ClinVar:

ClinVar aggregate classification (germline): Uncertain significance (1 of 4 stars; one submission).

Conditions:
Inborn genetic diseases. Identifiers: MedGen C0950123, MeSH D030342.

gnomAD v4.1: 1 of 1,614,148 alleles (0.000062%); highest among the groups gnomAD compares: Non-Finnish European, 0.000085%; no homozygotes.

Submission:

Ambry Genetics
Classification: Uncertain significance for Inborn genetic diseases. Last evaluated: 2018-05-16. Review status: criteria provided, single submitter. Criteria: Ambry Variant Classification Scheme 2023. Collection method: clinical testing. Allele origin: germline.
Comment: The p.D867N variant (also known as c.2599G>A), located in coding exon 27 of the DEPDC5 gene, results from a G to A substitution at nucleotide position 2599. The aspartic acid at codon 867 is replaced by asparagine, an amino acid with highly similar properties. This amino acid position is highly conserved in available vertebrate species. In addition, this alteration is predicted to be tolerated by in silico analysis. Since supporting evidence is limited at this time, the clinical significance of this alteration remains unclear.

NM_001242896.3(DEPDC5):c.2599G>A (p.Asp867Asn)

Gene: DEPDC5 (DEP domain containing 5, GATOR1 subcomplex subunit; plus strand). Cytogenetic location: 22q12.3.
Variant type: single nucleotide variant.
Coding change: c.2599G>A on transcript NM_001242896.3 (MANE Select); coding-DNA position 2599, G replaced by A.
Protein change: p.Asp867Asn; replaces aspartic acid 867 with asparagine.
Molecular consequence: missense variant. On other transcripts: non-coding transcript variant (5).
Genome position (GRCh38, 1-based): chr22:31,843,178, G>A. VCF-style: chr22-31843178-G-A. GRCh37 (hg19) VCF-style: chr22-32239164-G-A.
Other names: c.2572G>A, p.Asp858Asn (NM_001136029.4, NM_001369903.1, NM_014662.6); c.2365G>A, p.Asp789Asn (NM_001242897.2, NM_001363854.2, NM_001364319.2); c.2599G>A, p.Asp867Asn (NM_001363852.2, NM_001364318.2, NM_001364320.2); c.2515G>A, p.Asp839Asn (NM_001369901.1, NM_001369902.1); short protein forms D858N, D867N, D789N, D839N.
Identifiers: ClinVar variation 1793604 (VCV001793604.2), dbSNP rs2520090870, ClinGen allele CA411289028.